The following is an entry in ClinVar:

NM_000264.5(PTCH1):c.505G>A (p.Val169Ile)

Gene: PTCH1 (patched 1; minus strand). Cytogenetic location: 9q22.32.
Variant type: single nucleotide variant.
Coding change: c.505G>A on transcript NM_000264.5 (MANE Select); coding-DNA position 505, G replaced by A.
Protein change: p.Val169Ile; replaces valine 169 with isoleucine.
Molecular consequence: missense variant. On other transcripts: non-coding transcript variant (1).
Genome position (GRCh38, 1-based): chr9:95,485,764, C>T on the plus strand (G>A on the coding strand, the complement: PTCH1 is on the minus strand). VCF-style: chr9-95485764-C-T. GRCh37 (hg19) VCF-style: chr9-98248046-C-T.
Other names: c.307G>A, p.Val103Ile (NM_001083602.3, NM_001354919.2); c.502G>A, p.Val168Ile (NM_001083603.3); c.52G>A, p.Val18Ile (NM_001083604.3, NM_001083605.3, NM_001083606.3 and 1 more transcripts); c.505G>A, p.Val169Ile (NM_001354918.2); short protein forms V168I, V103I, V18I, V169I.
Identifiers: ClinVar variation 3427185 (VCV003427185.1).

ClinVar aggregate classification (germline): Uncertain significance (1 of 4 stars; one submission).

Conditions:
Hereditary cancer-predisposing syndrome. Also called: Neoplastic Syndromes, Hereditary; Tumor predisposition; Hereditary Cancer Syndrome; Hereditary neoplastic syndrome. Identifiers: Orphanet 140162, MedGen C0027672, MeSH D009386, MONDO:0015356.

gnomAD v4.1: 1 of 1,614,178 alleles (0.000062%); highest among the groups gnomAD compares: Non-Finnish European, 0.000085%; no homozygotes.

Submission:

Ambry Genetics
Classification: Uncertain significance for Hereditary cancer-predisposing syndrome. Last evaluated: 2024-09-05. Review status: criteria provided, single submitter. Criteria: Ambry Variant Classification Scheme 2023. Collection method: clinical testing. Allele origin: germline.
Comment: The p.V169I variant (also known as c.505G>A), located in coding exon 3 of the PTCH1 gene, results from a G to A substitution at nucleotide position 505. The valine at codon 169 is replaced by isoleucine, an amino acid with highly similar properties. This amino acid position is not well conserved in available vertebrate species. In addition, this alteration is predicted to be tolerated by in silico analysis. Based on the available evidence, the clinical significance of this variant remains unclear.